The following is an entry in ClinVar:

ClinVar aggregate classification (germline): Uncertain significance (1 of 4 stars; one submission).

Submission:

Labcorp Genetics (formerly Invitae), Labcorp
Classification: Uncertain significance. Last evaluated: 2025-10-21. Review status: criteria provided, single submitter. Criteria: Invitae Variant Classification Sherloc (09022015). Collection method: clinical testing. Allele origin: germline.
Comment: This sequence change replaces methionine, which is neutral and non-polar, with valine, which is neutral and non-polar, at codon 66 of the ANKZF1 protein (p.Met66Val). This variant is present in population databases (rs781041433, gnomAD no frequency). This variant has not been reported in the literature in individuals affected with ANKZF1-related conditions. An algorithm developed to predict the effect of missense changes on protein structure and function outputs the following: PolyPhen-2: "Benign". The valine amino acid residue is found in multiple mammalian species, which suggests that this missense change does not adversely affect protein function. In summary, the available evidence is currently insufficient to determine the role of this variant in disease. Therefore, it has been classified as a Variant of Uncertain Significance.

NM_018089.3(ANKZF1):c.196A>G (p.Met66Val)

Gene: ANKZF1 (ankyrin repeat and zinc finger peptidyl tRNA hydrolase 1; plus strand). Cytogenetic location: 2q35.
Variant type: single nucleotide variant.
Coding change: c.196A>G on transcript NM_018089.3 (MANE Select); coding-DNA position 196, A replaced by G.
Protein change: p.Met66Val; replaces methionine 66 with valine.
Molecular consequence: missense variant. On other transcripts: intron variant (1).
Genome position (GRCh38, 1-based): chr2:219,231,975, A>G. VCF-style: chr2-219231975-A-G. GRCh37 (hg19) VCF-style: chr2-220096697-A-G.
Other names: c.196A>G, p.Met66Val (NM_001042410.2); c.-266-515A>G (NM_001282792.2); short protein forms M66V.
Identifiers: ClinVar variation 4762404 (VCV004762404.1).